The following is an entry in ClinVar:

NM_001429.4(EP300):c.4752A>G (p.Leu1584=)

Gene: EP300 (EP300 lysine acetyltransferase; plus strand). Cytogenetic location: 22q13.2.
Variant type: single nucleotide variant.
Coding change: c.4752A>G on transcript NM_001429.4 (MANE Select); coding-DNA position 4752, A replaced by G.
Protein change: p.Leu1584=; no amino-acid change (leucine 1584 retained).
Molecular consequence: synonymous variant.
Genome position (GRCh38, 1-based): chr22:41,173,757, A>G. VCF-style: chr22-41173757-A-G. GRCh37 (hg19) VCF-style: chr22-41569761-A-G.
Other names: c.4674A>G, p.Leu1558= (NM_001362843.2).
Identifiers: ClinVar variation 1223019 (VCV001223019.37), dbSNP rs146147293, ClinGen allele CA10253508.

ClinVar aggregate classification (germline): Benign/Likely benign. Review status: criteria provided, multiple submitters, no conflicts (2 of 4 stars). 5 submissions from 5 submitters: Benign (1); Likely benign (3). 1 of the submissions does not count toward it. Last evaluated 2025-11-19.

Conditions:
EP300-related disorder. Also called: EP300-related condition; EP300-related disorders.
Rubinstein-Taybi syndrome due to EP300 haploinsufficiency. Also called: EP300-Related Rubinstein-Taybi Syndrome; RUBINSTEIN-TAYBI SYNDROME 2. Identifiers: Orphanet 353284, Orphanet 783, MedGen C3150941, MONDO:0013364, OMIM 613684.

Allele frequency attached by ClinVar (database versions not stated): gnomAD 0.00016; TOPMed 0.00017; gnomAD exomes 0.00019; ExAC 0.00025; ESP Exome Variant Server 0.00038.
gnomAD v4.1: 395 of 1,614,054 alleles (0.024%); highest among the groups gnomAD compares: Non-Finnish European, 0.032%; no homozygotes.

Submissions (5):

Labcorp Genetics (formerly Invitae), Labcorp
Classification: Likely benign for Rubinstein-Taybi syndrome due to EP300 haploinsufficiency. Last evaluated: 2025-11-19. Review status: criteria provided, single submitter. Criteria: Invitae Variant Classification Sherloc (09022015). Collection method: clinical testing. Allele origin: germline.

CeGaT Center for Human Genetics Tuebingen
Classification: Likely benign. Last evaluated: 2022-08-01. Review status: criteria provided, single submitter. Criteria: CeGaT Center For Human Genetics Tuebingen Variant Classification Criteria Version 2. Collection method: clinical testing. Allele origin: germline. Affected: yes. Observed: 1 variant allele.
Comment: EP300: BP4, BP7

Blueprint Genetics
Classification: Likely benign. Last evaluated: 2022-06-22. Review status: criteria provided, single submitter. Criteria: ACMG Guidelines, 2015. Collection method: clinical testing. Allele origin: germline.

GeneDx
Classification: Benign. Last evaluated: 2021-03-22. Review status: criteria provided, single submitter. Criteria: GeneDx Variant Classification Process June 2021. Collection method: clinical testing. Allele origin: germline. Affected: yes.

PreventionGenetics, part of Exact Sciences
Classification: Likely benign for EP300-related condition. Last evaluated: 2021-11-17. Review status: no assertion criteria provided. Collection method: clinical testing. Allele origin: germline. Not counted in ClinVar's aggregate classification.
Comment: This variant is classified as likely benign based on ACMG/AMP sequence variant interpretation guidelines (Richards et al. 2015 PMID: 25741868, with internal and published modifications).